The following is an entry in ClinVar:

NM_017780.4(CHD7):c.3205C>T (p.Arg1069Ter)

Gene: CHD7 (chromodomain helicase DNA binding protein 7; plus strand). Cytogenetic location: 8q12.2.
Variant type: single nucleotide variant.
Coding change: c.3205C>T on transcript NM_017780.4 (MANE Select); coding-DNA position 3205, C replaced by T.
Protein change: p.Arg1069Ter; replaces arginine 1069 with a stop codon.
Molecular consequence: nonsense. On other transcripts: intron variant (1).
Genome position (GRCh38, 1-based): chr8:60,823,843, C>T. VCF-style: chr8-60823843-C-T. GRCh37 (hg19) VCF-style: chr8-61736402-C-T.
Other names: c.3205C>T (LRG_176t1); c.1717-38386C>T (NM_001316690.1); short protein forms R1069*.
Identifiers: ClinVar variation 267423 (VCV000267423.21), dbSNP rs886040985, ClinGen allele CA10602490.
Genomic context (GRCh38, chr8:60,823,843, plus strand): 5'-TTAAAGTTATTTATGTAACCATTAATGCTTAATAATAATTCAGAGTTGTTCTTATAGGGT[C>T]GAGTGATAAAGGGGTCCTATAAGTTTCATGCCATCATCACTACATTTGAGATGATTTTGA-3'

ClinVar aggregate classification (germline): Pathogenic. Review status: criteria provided, multiple submitters, no conflicts (2 of 4 stars). 9 submissions from 9 submitters: Pathogenic (7). 2 of the submissions do not count toward it. Last evaluated 2024-12-30.

Conditions:
CHARGE syndrome (CHARGE). Also called: Hittner Hirsch Kreh syndrome; Coloboma, heart anomaly, choanal atresia, retardation, genital and ear anomalies; CHARGE association; Hall-Hittner syndrome; CHARGE ASSOCIATION--COLOBOMA, HEART ANOMALY, CHOANAL ATRESIA, RETARDATION, GENITAL AND EAR ANOMALIES. Identifiers: Orphanet 138, MedGen C0265354, MONDO:0008965.
Hypogonadotropic hypogonadism 5 with or without anosmia (KAL5). Also called: CHD7-Related GnRH Deficiency (Kallmann Syndrome 5); HYPOGONADOTROPIC HYPOGONADISM 5 WITH ANOSMIA; HYPOGONADOTROPHIC HYPOGONADISM 5 WITHOUT ANOSMIA. Identifiers: Orphanet 478, MedGen C3552553, MONDO:0012880, OMIM 612370. Disease mechanism: loss of function.

Submissions (9):

Labcorp Genetics (formerly Invitae), Labcorp
Classification: Pathogenic for CHARGE syndrome. Last evaluated: 2024-12-30. Review status: criteria provided, single submitter. Criteria: Invitae Variant Classification Sherloc (09022015). Collection method: clinical testing. Allele origin: germline.
Comment: This sequence change creates a premature translational stop signal (p.Arg1069*) in the CHD7 gene. It is expected to result in an absent or disrupted protein product. Loss-of-function variants in CHD7 are known to be pathogenic (PMID: 22461308, 25077900). This variant is not present in population databases (gnomAD no frequency). This premature translational stop signal has been observed in individual(s) with CHARGE syndrome (PMID: 16400610, 29300383). In at least one individual the variant was observed to be de novo. ClinVar contains an entry for this variant (Variation ID: 267423). For these reasons, this variant has been classified as Pathogenic.

GeneDx
Classification: Pathogenic. Last evaluated: 2024-09-28. Review status: criteria provided, single submitter. Criteria: GeneDx Variant Classification Process June 2021. Collection method: clinical testing. Allele origin: germline. Affected: yes.
Comment: Nonsense variant predicted to result in protein truncation or nonsense mediated decay in a gene for which loss of function is a known mechanism of disease; Not observed at significant frequency in large population cohorts (gnomAD); This variant is associated with the following publications: (PMID: 25525159, 30244528, 16400610, 29300383, 38597178)

Institute of Human Genetics, Heidelberg University
Classification: Pathogenic for CHD7-related CHARGE syndrome. Last evaluated: 2024-07-18. Review status: criteria provided, single submitter. Criteria: ACMG Guidelines, 2015. Collection method: clinical testing. Allele origin: de novo. Affected: yes.

Fulgent Genetics
Classification: Pathogenic for CHD7-related CHARGE syndrome; Hypogonadotropic hypogonadism 5 with or without anosmia. Last evaluated: 2018-10-31. Review status: criteria provided, single submitter. Criteria: ACMG Guidelines, 2015. Collection method: clinical testing. Allele origin: unknown.

Genomic Diagnostic Laboratory, Division of Genomic Diagnostics, Children's Hospital of Philadelphia
Classification: Pathogenic for CHARGE syndrome. Last evaluated: 2016-09-05. Review status: criteria provided, single submitter. Criteria: DGD Variant Analysis Guidelines. Collection method: clinical testing. Allele origin: germline. Affected: yes. Observed: 1 variant allele.
Comment: Clinical Testing

Genetic Services Laboratory, University of Chicago
Classification: Pathogenic for CHARGE syndrome. Last evaluated: 2016-08-22. Review status: criteria provided, single submitter. Criteria: ACMG Guidelines, 2015. Collection method: clinical testing. Allele origin: germline. Affected: yes.

3billion
Classification: Pathogenic for CHD7-related CHARGE syndrome. Review status: criteria provided, single submitter. Criteria: ACMG Guidelines, 2015. Collection method: clinical testing. Allele origin: unknown. Affected: yes. Observed: 1 heterozygote.
Comment: The variant is not observed in the gnomAD v2.1.1 dataset. The variant is predicted to result in a loss or disruption of normal protein function through nonsense-mediated decay (NMD) or protein truncation. Multiple pathogenic variants are reported downstream of the variant. The variant has been reported at least twice as pathogenic with clinical assertions and evidence for the classification (ClinVar ID: VCV000267423 / PMID: 16400610). Therefore, this variant is classified as Pathogenic according to the recommendation of ACMG/AMP guideline.

Sbielas Lab-Department of Human Genetics University of Michigan, University of Michigan Medical School
Classification: Pathogenic for CHD7-related CHARGE syndrome. Last evaluated: 2017-10-27. Review status: no assertion criteria provided. Collection method: research. Allele origin: de novo. Affected: yes. Not counted in ClinVar's aggregate classification.

University of Washington Center for Mendelian Genomics, University of Washington
Classification: Likely pathogenic for CHARGE syndrome. Review status: no assertion criteria provided. Collection method: research. Allele origin: de novo. Affected: yes. Not counted in ClinVar's aggregate classification.

Literature cited by the submitters: PubMed 22461308 (cited by Labcorp Genetics (formerly Invitae), Labcorp); PubMed 25077900 (cited by Labcorp Genetics (formerly Invitae), Labcorp); PubMed 16400610 (cited by Labcorp Genetics (formerly Invitae), Labcorp and 3billion); PubMed 29300383 (cited by 3 submitters).